The following is an entry in ClinVar:

ClinVar aggregate classification (germline): Conflicting classifications of pathogenicity. Review status: criteria provided, conflicting classifications (1 of 4 stars). 2 submissions from 2 submitters: Uncertain significance (1); Likely benign (1). Last evaluated 2025-07-30.

Conditions:
Hereditary cancer-predisposing syndrome. Also called: Tumor predisposition; Hereditary neoplastic syndrome; Neoplastic Syndromes, Hereditary; Hereditary Cancer Syndrome. Identifiers: Orphanet 140162, MedGen C0027672, MeSH D009386, MONDO:0015356.
Familial adenomatous polyposis 2. Also called: MUTYH Polyposis; COLORECTAL ADENOMATOUS POLYPOSIS, AUTOSOMAL RECESSIVE; ADENOMAS, MULTIPLE COLORECTAL, AUTOSOMAL RECESSIVE; MUTYH-associated polyposis; MUTYH-related attenuated familial adenomatous polyposis; Adenomas, multiple colorectal. Identifiers: Orphanet 220460, Orphanet 247798, MedGen C3272841, MONDO:0012041, OMIM 608456.

Allele frequency attached by ClinVar (database versions not stated): gnomAD 0.00001.
gnomAD v4.1: 1 of 1,613,972 alleles (0.000062%); highest among the groups gnomAD compares: Non-Finnish European, 0.000085%; no homozygotes.

Submissions (2):

Labcorp Genetics (formerly Invitae), Labcorp
Classification: Uncertain significance for Familial adenomatous polyposis 2. Last evaluated: 2025-07-30. Review status: criteria provided, single submitter. Criteria: Invitae Variant Classification Sherloc (09022015). Collection method: clinical testing. Allele origin: germline.
Comment: This sequence change replaces glycine, which is neutral and non-polar, with serine, which is neutral and polar, at codon 264 of the MUTYH protein (p.Gly264Ser). This variant is not present in population databases (gnomAD no frequency). This variant has not been reported in the literature in individuals affected with MUTYH-related conditions. ClinVar contains an entry for this variant (Variation ID: 533314). An algorithm developed to predict the effect of missense changes on protein structure and function outputs the following: PolyPhen-2: "Benign". The serine amino acid residue is found in multiple mammalian species, which suggests that this missense change does not adversely affect protein function. In summary, the available evidence is currently insufficient to determine the role of this variant in disease. Therefore, it has been classified as a Variant of Uncertain Significance.

Ambry Genetics
Classification: Likely benign for Hereditary cancer-predisposing syndrome. Last evaluated: 2023-11-16. Review status: criteria provided, single submitter. Criteria: Ambry Variant Classification Scheme 2023. Collection method: clinical testing. Allele origin: germline.

NM_001048174.2(MUTYH):c.706G>A (p.Gly236Ser)

Gene: MUTYH (mutY DNA glycosylase; minus strand). Cytogenetic location: 1p34.1.
Variant type: single nucleotide variant.
Coding change: c.706G>A on transcript NM_001048174.2 (MANE Select); coding-DNA position 706, G replaced by A.
Protein change: p.Gly236Ser; replaces glycine 236 with serine.
Molecular consequence: missense variant. On other transcripts: non-coding transcript variant (2).
Genome position (GRCh38, 1-based): chr1:45,332,309, C>T on the plus strand (G>A on the coding strand, the complement: MUTYH is on the minus strand). VCF-style: chr1-45332309-C-T. GRCh37 (hg19) VCF-style: chr1-45797981-C-T.
Other names: c.706G>A, p.Gly236Ser (NM_001048171.2, NM_001048173.2, NM_001293195.2); c.709G>A, p.Gly237Ser (NM_001048172.2); c.790G>A, p.Gly264Ser (NM_001128425.2); c.751G>A, p.Gly251Ser (NM_001293190.2); c.739G>A, p.Gly247Ser (NM_001293191.2); c.430G>A, p.Gly144Ser (NM_001293192.2, NM_001293196.2); c.361G>A, p.Gly121Ser (NM_001350650.2, NM_001350651.2); c.781G>A, p.Gly261Ser (NM_012222.3); short protein forms G264S, G144S, G121S, G236S, G251S, G261S, G237S, G247S.
Identifiers: ClinVar variation 533314 (VCV000533314.10), dbSNP rs1328890188, ClinGen allele CA340134728.